The following is an entry in ClinVar:

NM_001352754.2(ARMC9):c.910C>T (p.Pro304Ser)

Gene: ARMC9 (armadillo repeat containing 9; plus strand). Cytogenetic location: 2q37.1.
Variant type: single nucleotide variant.
Coding change: c.910C>T on transcript NM_001352754.2 (MANE Select); coding-DNA position 910, C replaced by T.
Protein change: p.Pro304Ser; replaces proline 304 with serine.
Molecular consequence: missense variant. On other transcripts: non-coding transcript variant (1).
Genome position (GRCh38, 1-based): chr2:231,256,616, C>T. VCF-style: chr2-231256616-C-T. GRCh37 (hg19) VCF-style: chr2-232121329-C-T.
Other names: c.910C>T, p.Pro304Ser (NM_001271466.4, NM_001291656.2, NM_001352755.2 and 3 more transcripts); c.811C>T, p.Pro271Ser (NM_001352757.2, NM_001352758.2); short protein forms P304S, P271S.
Identifiers: ClinVar variation 1368415 (VCV001368415.6), dbSNP rs1478556560, ClinGen allele CA350954503.

ClinVar aggregate classification (germline): Uncertain significance (1 of 4 stars; one submission).

Allele frequency attached by ClinVar (database versions not stated): gnomAD exomes 0.00001; TOPMed 0.00001.

Submission:

Labcorp Genetics (formerly Invitae), Labcorp
Classification: Uncertain significance. Last evaluated: 2021-07-20. Review status: criteria provided, single submitter. Criteria: Invitae Variant Classification Sherloc (09022015). Collection method: clinical testing. Allele origin: germline.
Comment: In summary, the available evidence is currently insufficient to determine the role of this variant in disease. Therefore, it has been classified as a Variant of Uncertain Significance. Experimental studies and prediction algorithms are not available or were not evaluated, and the functional significance of this variant is currently unknown. This variant has not been reported in the literature in individuals affected with ARMC9-related conditions. This variant is not present in population databases (ExAC no frequency). This sequence change replaces proline with serine at codon 304 of the ARMC9 protein (p.Pro304Ser). The proline residue is moderately conserved and there is a moderate physicochemical difference between proline and serine.